The following is an entry in ClinVar:

ClinVar aggregate classification (germline): Uncertain significance (1 of 4 stars; one submission).

gnomAD v4.1: 1 of 1,614,190 alleles (0.000062%); highest among the groups gnomAD compares: Non-Finnish European, 0.000085%; no homozygotes.

Submission:

GeneDx
Classification: Uncertain significance. Last evaluated: 2019-07-22. Review status: criteria provided, single submitter. Criteria: GeneDx Variant Classification Process June 2021. Collection method: clinical testing. Allele origin: germline. Affected: yes.
Comment: Not observed in large population cohorts (Lek et al., 2016); In silico analysis, which includes protein predictors and evolutionary conservation, supports that this variant does not alter protein structure/function; Has not been previously published as pathogenic or benign to our knowledge; Variants in candidate genes are classified as variants of uncertain significance in accordance with ACMG guidelines (Richards et al., 2015)

NM_001376571.1(MADD):c.4585G>T (p.Ala1529Ser)

Gene: MADD (MAP kinase activating death domain; plus strand). Cytogenetic location: 11p11.2.
Variant type: single nucleotide variant.
Coding change: c.4585G>T on transcript NM_001376571.1 (MANE Select); coding-DNA position 4585, G replaced by T.
Protein change: p.Ala1529Ser; replaces alanine 1529 with serine.
Molecular consequence: missense variant. On other transcripts: non-coding transcript variant (8).
Genome position (GRCh38, 1-based): chr11:47,324,307, G>T. VCF-style: chr11-47324307-G-T. GRCh37 (hg19) VCF-style: chr11-47345858-G-T.
Other names: c.4276G>T, p.Ala1426Ser (NM_001135943.2); c.4267G>T, p.Ala1423Ser (NM_001135944.2, NM_001376618.1, NM_001376619.1 and 2 more transcripts); c.4573G>T, p.Ala1525Ser (NM_001376572.1, NM_001376573.1, NM_001376599.1 and 2 more transcripts); c.4531G>T, p.Ala1511Ser (NM_001376574.1, NM_001376605.1); c.4525G>T, p.Ala1509Ser (NM_001376575.1); c.4513G>T, p.Ala1505Ser (NM_001376576.1, NM_001376577.1, NM_001376610.1); c.4486G>T, p.Ala1496Ser (NM_001376578.1); c.4459G>T, p.Ala1487Ser (NM_001376579.1, NM_001376580.1, NM_001376622.1 and 1 more transcripts); and 43 more; short protein forms A1248S, A1318S, A1367S, A1379S, A1389S, A1394S, A1396S, A1397S.
Identifiers: ClinVar variation 1320856 (VCV001320856.2), dbSNP rs764757169, ClinGen allele CA380303676.